The following is an entry in ClinVar:

ClinVar aggregate classification (germline): Likely benign. Review status: criteria provided, multiple submitters, no conflicts (2 of 4 stars). 3 submissions from 3 submitters: Likely benign (3). Last evaluated 2026-07-11.

Conditions:
GRIN1-related disorder. Also called: GRIN1-related condition.
Neurodevelopmental disorder with or without hyperkinetic movements and seizures, autosomal dominant. Also called: Intellectual disability, autosomal dominant 8. Identifiers: MedGen C3280282, MONDO:0013655, OMIM 614254.

Allele frequency attached by ClinVar (database versions not stated): gnomAD below 0.00001 and 0.00001; gnomAD exomes 0.00001 and 0.00002; ExAC 0.00004.
gnomAD v4.1: 31 of 1,606,096 alleles (0.0019%); highest among the groups gnomAD compares: South Asian, 0.02%; no homozygotes.

Submissions (3):

PreventionGenetics, part of Exact Sciences
Classification: Likely benign for GRIN1-related condition. Last evaluated: 2026-07-11. Review status: criteria provided, single submitter. Criteria: ACMG Guidelines, 2015. Collection method: clinical testing. Allele origin: germline.
Comment: This variant is classified as likely benign based on ACMG/AMP sequence variant interpretation guidelines (Richards et al. 2015 PMID: 25741868, with internal and published modifications).

Labcorp Genetics (formerly Invitae), Labcorp
Classification: Likely benign for Neurodevelopmental disorder with or without hyperkinetic movements and seizures, autosomal dominant. Last evaluated: 2025-10-27. Review status: criteria provided, single submitter. Criteria: Invitae Variant Classification Sherloc (09022015). Collection method: clinical testing. Allele origin: germline.

GeneDx
Classification: Likely benign. Last evaluated: 2017-02-01. Review status: criteria provided, single submitter. Criteria: GeneDx Variant Classification (06012015). Collection method: clinical testing. Allele origin: germline. Affected: yes.
Comment: This variant is considered likely benign or benign based on one or more of the following criteria: it is a conservative change, it occurs at a poorly conserved position in the protein, it is predicted to be benign by multiple in silico algorithms, and/or has population frequency not consistent with disease.

NM_007327.4(GRIN1):c.571-4G>A

Gene: GRIN1 (glutamate ionotropic receptor NMDA type subunit 1; plus strand). Cytogenetic location: 9q34.3.
Variant type: single nucleotide variant.
Coding change: c.571-4G>A on transcript NM_007327.4 (MANE Select); 4 bases into the intron before coding-DNA position 571, G replaced by A.
Molecular consequence: intron variant.
Genome position (GRCh38, 1-based): chr9:137,149,005, G>A. VCF-style: chr9-137149005-G-A. GRCh37 (hg19) VCF-style: chr9-140043457-G-A.
Other names: c.634-4G>A (NM_001185090.2, NM_001185091.2); c.571-4G>A (NM_021569.4, NM_000832.7).
Identifiers: ClinVar variation 507117 (VCV000507117.10), dbSNP rs201740054, ClinGen allele CA5360709.